The following is an entry in ClinVar:

ClinVar aggregate classification (germline): Conflicting classifications of pathogenicity. Review status: criteria provided, conflicting classifications (1 of 4 stars). 6 submissions from 6 submitters: Uncertain significance (1); Benign (1); Likely benign (4). Last evaluated 2026-01-14.

Conditions:
Hereditary cancer-predisposing syndrome. Also called: Hereditary neoplastic syndrome; Neoplastic Syndromes, Hereditary; Hereditary Cancer Syndrome; Tumor predisposition. Identifiers: Orphanet 140162, MedGen C0027672, MeSH D009386, MONDO:0015356.
Intrauterine growth retardation, metaphyseal dysplasia, adrenal hypoplasia congenita, genital anomalies, and immunodeficiency. Also called: IMAGEI SYNDROME. Identifiers: MedGen C5193036, MONDO:0032684, OMIM 618336.
Facial dysmorphism-immunodeficiency-livedo-short stature syndrome. Also called: FILS syndrome; Facial dysmorphism, immunodeficiency, livedo, and short stature. Identifiers: Orphanet 352712, MedGen C3554576, MONDO:0014058, OMIM 615139.
Colorectal cancer, susceptibility to, 12 (CRCS12). Also called: COLORECTAL CANCER, SUSCEPTIBILITY TO, ON CHROMOSOME 12q24. Identifiers: Orphanet 220460, MedGen C3554460, MONDO:0014038, OMIM 615083.

Allele frequency attached by ClinVar (database versions not stated): gnomAD 0.00001 and 0.00005; TOPMed 0.00002; gnomAD exomes 0.00021 and 0.00049; 1000 Genomes Project 30x 0.00031; 1000 Genomes Project 0.00040; ExAC 0.00052.
gnomAD v4.1: 320 of 1,613,542 alleles (0.02%); highest among the groups gnomAD compares: South Asian, 0.34%; 4 homozygotes.

Submissions (6):

Labcorp Genetics (formerly Invitae), Labcorp
Classification: Benign. Last evaluated: 2026-01-14. Review status: criteria provided, single submitter. Criteria: Invitae Variant Classification Sherloc (09022015). Collection method: clinical testing. Allele origin: germline.

Ambry Genetics
Classification: Likely benign for Hereditary cancer-predisposing syndrome. Last evaluated: 2024-10-28. Review status: criteria provided, single submitter. Criteria: Ambry Variant Classification Scheme 2023. Collection method: clinical testing. Allele origin: germline.

Blueprint Genetics
Classification: Likely benign. Last evaluated: 2023-09-21. Review status: criteria provided, single submitter. Criteria: ACMG Guidelines, 2015. Collection method: clinical testing. Allele origin: germline.

KCCC/NGS Laboratory, Kuwait Cancer Control Center
Classification: Likely benign for Colorectal cancer, susceptibility to, 12. Last evaluated: 2023-07-07. Review status: criteria provided, single submitter. Criteria: ACMG Guidelines, 2015. Collection method: clinical testing. Allele origin: germline. Affected: yes.

GeneDx
Classification: Uncertain significance. Last evaluated: 2023-04-26. Review status: criteria provided, single submitter. Criteria: GeneDx Variant Classification Process June 2021. Collection method: clinical testing. Allele origin: germline. Affected: yes.
Comment: In silico analysis supports that this missense variant has a deleterious effect on protein structure/function; Has not been previously published as pathogenic or benign to our knowledge; This variant is associated with the following publications: (PMID: 31034466, 29056344)

Department of Pathology and Laboratory Medicine, Sinai Health System
Classification: Likely benign for Colorectal cancer, susceptibility to, 12; Facial dysmorphism-immunodeficiency-livedo-short stature syndrome; Intrauterine growth retardation, metaphyseal dysplasia, adrenal hypoplasia congenita, genital anomalies, and immunodeficiency. Last evaluated: 2021-07-30. Review status: criteria provided, single submitter. Criteria: ACMG Guidelines, 2015. Collection method: research. Allele origin: germline.

NM_006231.4(POLE):c.4744C>T (p.Pro1582Ser)

Gene: POLE (DNA polymerase epsilon, catalytic subunit; minus strand). Cytogenetic location: 12q24.33.
Variant type: single nucleotide variant.
Coding change: c.4744C>T on transcript NM_006231.4 (MANE Select); coding-DNA position 4744, C replaced by T.
Protein change: p.Pro1582Ser; replaces proline 1582 with serine.
Molecular consequence: missense variant.
Genome position (GRCh38, 1-based): chr12:132,642,714, G>A on the plus strand (C>T on the coding strand, the complement: POLE is on the minus strand). VCF-style: chr12-132642714-G-A. GRCh37 (hg19) VCF-style: chr12-133219300-G-A.
Other names: c.4744C>T (NM_006231.2); short protein forms P1582S.
Identifiers: ClinVar variation 473690 (VCV000473690.19), dbSNP rs556887600, ClinGen allele CA6892720.